The following is an entry in ClinVar:

ClinVar aggregate classification (germline): Benign (1 of 4 stars; one submission).

Submission:

GeneDx
Classification: Benign. Last evaluated: 2018-06-19. Review status: criteria provided, single submitter. Criteria: GeneDx Variant Classification (06012015). Collection method: clinical testing. Allele origin: germline. Affected: yes.
Comment: This variant is considered likely benign or benign based on one or more of the following criteria: it is a conservative change, it occurs at a poorly conserved position in the protein, it is predicted to be benign by multiple in silico algorithms, and/or has population frequency not consistent with disease.

NM_000334.4(SCN4A):c.3319-256del

Genes: GH-LCR (growth hormone locus control region; plus strand), SCN4A (sodium voltage-gated channel alpha subunit 4; minus strand). Cytogenetic location: 17q23.3.
Variant type: Deletion.
Coding change: c.3319-256del on transcript NM_000334.4 (MANE Select); 256 bases into the intron before coding-DNA position 3319, one base deleted (C; older notation c.3319-256delC).
Molecular consequence: intron variant.
Genome position (GRCh38, 1-based): chr17:63,947,423, G deleted on the plus strand (C on the coding strand, the reverse complement: SCN4A is on the minus strand); the first of 4 consecutive G bases (chr17:63,947,423-63,947,426); deleting any one gives the same sequence. VCF-style (leftmost placement, unchanged base first): chr17-63947422-CG-C. GRCh37 (hg19) VCF-style: chr17-62024782-CG-C.
Other names: c.3319-256delC (NM_000334.4).
Identifiers: ClinVar variation 684259 (VCV000684259.1), dbSNP rs35533633, ClinGen allele CA292962660.